The following is an entry in ClinVar:

NM_002435.3(MPI):c.84_88del (p.Arg29fs)

Gene: MPI (mannose phosphate isomerase; plus strand). Cytogenetic location: 15q24.1.
Variant type: Deletion.
Coding change: c.84_88del on transcript NM_002435.3 (MANE Select); coding-DNA positions 84 to 88, 5 bases deleted (GCGGC; older notation c.84_88delGCGGC).
Protein change: p.Arg29fs; shifts the reading frame from arginine 29.
Molecular consequence: frameshift variant. On other transcripts: intron variant (1).
Genome position (GRCh38, 1-based): chr15:74,890,594-74,890,598, GCGGC deleted; deleting any 5 consecutive bases within chr15:74,890,591-74,890,598 gives the same sequence; the c. name uses the placement nearest the transcript's 3' end. VCF-style (leftmost placement, unchanged base first): chr15-74890590-TGGCGC-T. GRCh37 (hg19) VCF-style: chr15-75182931-TGGCGC-T.
Other names: c.84_88del, p.Arg29fs (NM_001289155.2, NM_001289157.2); c.24_28del, p.Arg9fs (NM_001330372.2); c.-7+505_-7+509del (NM_001289156.2); short protein forms R29fs, R9fs.
Identifiers: ClinVar variation 969962 (VCV000969962.10), dbSNP rs753839890, ClinGen allele CA7662331.
Genomic context (GRCh38, chr15:74,890,590, plus strand): 5'-TCCCACTTTCCTGTGCGGTGCAGCAGTATGCCTGGGGGAAGATGGGTTCCAACAGCGAAG[TGGCGC>T]GGCTGTTGGCCAGCAGTGATCCACTGGCCCAGATCGCAGAGGACAAGCCTTATGCAGAGG-3'

ClinVar aggregate classification (germline): Pathogenic/Likely pathogenic. Review status: criteria provided, multiple submitters, no conflicts (2 of 4 stars). 2 submissions from 2 submitters: Pathogenic (1); Likely pathogenic (1). Last evaluated 2024-02-05.

Conditions:
MPI-congenital disorder of glycosylation. Also called: PROTEIN-LOSING ENTEROPATHY-HEPATIC FIBROSIS SYNDROME; CDG Ib; MPI DEFICIENCY; MANNOSEPHOSPHATE ISOMERASE DEFICIENCY; MPI-CDG; CONGENITAL DISORDER OF GLYCOSYLATION, TYPE Ib. Identifiers: Orphanet 79319, MedGen C1865145, MONDO:0011257, OMIM 602579.

Submissions (2):

Baylor Genetics
Classification: Likely pathogenic for MPI-congenital disorder of glycosylation. Last evaluated: 2024-02-05. Review status: criteria provided, single submitter. Criteria: ACMG Guidelines, 2015. Collection method: clinical testing. Allele origin: unknown.

Labcorp Genetics (formerly Invitae), Labcorp
Classification: Pathogenic for MPI-congenital disorder of glycosylation. Last evaluated: 2022-04-09. Review status: criteria provided, single submitter. Criteria: Invitae Variant Classification Sherloc (09022015). Collection method: clinical testing. Allele origin: germline.
Comment: This sequence change creates a premature translational stop signal (p.Arg29Valfs*5) in the MPI gene. It is expected to result in an absent or disrupted protein product. Loss-of-function variants in MPI are known to be pathogenic (PMID: 19862844). This variant is present in population databases (rs753839890, gnomAD 0.002%). This variant has not been reported in the literature in individuals affected with MPI-related conditions. ClinVar contains an entry for this variant (Variation ID: 969962). For these reasons, this variant has been classified as Pathogenic.

Literature cited by the submitters: PubMed 19862844 (cited by Labcorp Genetics (formerly Invitae), Labcorp).